The following is an entry in ClinVar:

NM_006899.5(IDH3B):c.531+6G>T

Gene: IDH3B (isocitrate dehydrogenase (NAD(+)) 3 non-catalytic subunit beta; minus strand). Cytogenetic location: 20p13.
Variant type: single nucleotide variant.
Coding change: c.531+6G>T on transcript NM_006899.5 (MANE Select); 6 bases into the intron after coding-DNA position 531, G replaced by T.
Molecular consequence: intron variant.
Genome position (GRCh38, 1-based): chr20:2,660,691, C>A on the plus strand (G>T on the coding strand, the complement: IDH3B is on the minus strand). VCF-style: chr20-2660691-C-A. GRCh37 (hg19) VCF-style: chr20-2641337-C-A.
Other names: c.531+6G>T (NM_174855.4, NM_001330763.2, NM_001258384.3).
Identifiers: ClinVar variation 970462 (VCV000970462.9), dbSNP rs1316994270, ClinGen allele CA1139666621.

ClinVar aggregate classification (germline): Uncertain significance (1 of 4 stars; one submission).

Allele frequency attached by ClinVar (database versions not stated): TOPMed 0.00001.
gnomAD v4.1: 1 of 1,614,218 alleles (0.000062%); no homozygotes.

Submission:

Labcorp Genetics (formerly Invitae), Labcorp
Classification: Uncertain significance. Last evaluated: 2021-03-26. Review status: criteria provided, single submitter. Criteria: Invitae Variant Classification Sherloc (09022015). Collection method: clinical testing. Allele origin: germline.
Comment: This sequence change falls in intron 6 of the IDH3B gene. It does not directly change the encoded amino acid sequence of the IDH3B protein, but it affects a nucleotide within the consensus splice site of the intron. In summary, the available evidence is currently insufficient to determine the role of this variant in disease. Therefore, it has been classified as a Variant of Uncertain Significance. Nucleotide substitutions within the consensus splice site are a relatively common cause of aberrant splicing (PMID: 17576681, 9536098). Algorithms developed to predict the effect of sequence changes on RNA splicing suggest that this variant is not likely to affect RNA splicing, but this prediction has not been confirmed by published transcriptional studies. This variant has not been reported in the literature in individuals with IDH3B-related conditions. This variant is not present in population databases (ExAC no frequency).

Literature cited by the submitters: PubMed 17576681; PubMed 9536098.